The following is an entry in ClinVar:

NM_000038.6(APC):c.5788C>G (p.Gln1930Glu)

Gene: APC (APC regulator of Wnt signaling pathway; plus strand). Cytogenetic location: 5q22.2.
Variant type: single nucleotide variant.
Coding change: c.5788C>G on transcript NM_000038.6 (MANE Select); coding-DNA position 5788, C replaced by G.
Protein change: p.Gln1930Glu; replaces glutamine 1930 with glutamic acid.
Molecular consequence: missense variant.
Genome position (GRCh38, 1-based): chr5:112,841,382, C>G. VCF-style: chr5-112841382-C-G. GRCh37 (hg19) VCF-style: chr5-112177079-C-G.
Other names: c.5788C>G, p.Gln1930Glu (NM_001127510.3, NM_001354895.2); c.5734C>G, p.Gln1912Glu (NM_001127511.3); c.5842C>G, p.Gln1948Glu (NM_001354896.2); c.5818C>G, p.Gln1940Glu (NM_001354897.2); c.5713C>G, p.Gln1905Glu (NM_001354898.2); c.5704C>G, p.Gln1902Glu (NM_001354899.2); c.5665C>G, p.Gln1889Glu (NM_001354900.2); c.5611C>G, p.Gln1871Glu (NM_001354901.2); and 5 more; short protein forms Q1930E, Q1912E, Q1871E, Q1889E, Q1902E, Q1839E, Q1940E, Q1948E.
Identifiers: ClinVar variation 470019 (VCV000470019.15), dbSNP rs1554086988, ClinGen allele CA16033996.
Genomic context (GRCh38, chr5:112,841,382, plus strand): 5'-ACACAAGCTATTGCAAAGCAGCCAATAAATCGAGGTCAGCCTAAACCCATACTTCAGAAA[C>G]AATCCACTTTTCCCCAGTCATCCAAAGACATACCAGACAGAGGGGCAGCAACTGATGAAA-3'
Protein context (NP_000029.2, residues 1920-1940): RGQPKPILQK[Gln1930Glu]STFPQSSKDI

ClinVar aggregate classification (germline): Uncertain significance. Review status: criteria provided, multiple submitters, no conflicts (2 of 4 stars). 2 submissions from 2 submitters: Uncertain significance (2). Last evaluated 2025-01-04.

Conditions:
Familial adenomatous polyposis 1 (FAP1). Also called: POLYPOSIS, ADENOMATOUS INTESTINAL; FAMILIAL ADENOMATOUS POLYPOSIS 1, ATTENUATED. Identifiers: MedGen C2713442, MONDO:0021056, OMIM 175100. Disease mechanism: loss of function.
Hereditary cancer-predisposing syndrome. Also called: Hereditary neoplastic syndrome; Neoplastic Syndromes, Hereditary; Tumor predisposition; Hereditary Cancer Syndrome. Identifiers: Orphanet 140162, MedGen C0027672, MeSH D009386, MONDO:0015356.

gnomAD v4.1: 5 of 1,613,612 alleles (0.00031%); highest among the groups gnomAD compares: Non-Finnish European, 0.00042%; no homozygotes.

Submissions (2):

Ambry Genetics
Classification: Uncertain significance for Hereditary cancer-predisposing syndrome. Last evaluated: 2025-01-04. Review status: criteria provided, single submitter. Criteria: Ambry Variant Classification Scheme 2023. Collection method: clinical testing. Allele origin: germline.
Comment: The p.Q1930E variant (also known as c.5788C>G), located in coding exon 15 of the APC gene, results from a C to G substitution at nucleotide position 5788. The glutamine at codon 1930 is replaced by glutamic acid, an amino acid with highly similar properties. This amino acid position is well conserved in available vertebrate species. In addition, in silico predictors for this gene do not accurately predict pathogenicity. Missense alterations in APC are not a common cause of disease (Spier I et al. Genet Med. 2024 Feb;26(2):100992). Based on the available evidence, the clinical significance of this variant remains unclear.

Labcorp Genetics (formerly Invitae), Labcorp
Classification: Uncertain significance for Familial adenomatous polyposis 1. Last evaluated: 2022-03-23. Review status: criteria provided, single submitter. Criteria: Invitae Variant Classification Sherloc (09022015). Collection method: clinical testing. Allele origin: germline.
Comment: In summary, the available evidence is currently insufficient to determine the role of this variant in disease. Therefore, it has been classified as a Variant of Uncertain Significance. Algorithms developed to predict the effect of missense changes on protein structure and function (SIFT, PolyPhen-2, Align-GVGD) all suggest that this variant is likely to be tolerated. ClinVar contains an entry for this variant (Variation ID: 470019). This variant has not been reported in the literature in individuals affected with APC-related conditions. This variant is not present in population databases (gnomAD no frequency). This sequence change replaces glutamine, which is neutral and polar, with glutamic acid, which is acidic and polar, at codon 1930 of the APC protein (p.Gln1930Glu).